The following is an entry in ClinVar:

ClinVar aggregate classification (germline): Uncertain significance (1 of 4 stars; one submission).

Submission:

Labcorp Genetics (formerly Invitae), Labcorp
Classification: Uncertain significance. Last evaluated: 2022-08-20. Review status: criteria provided, single submitter. Criteria: Invitae Variant Classification Sherloc (09022015). Collection method: clinical testing. Allele origin: germline.
Comment: In summary, the available evidence is currently insufficient to determine the role of this variant in disease. Therefore, it has been classified as a Variant of Uncertain Significance. Algorithms developed to predict the effect of missense changes on protein structure and function (SIFT, PolyPhen-2, Align-GVGD) all suggest that this variant is likely to be tolerated. This variant has not been reported in the literature in individuals affected with SBF1-related conditions. This variant is not present in population databases (gnomAD no frequency). This sequence change replaces serine, which is neutral and polar, with threonine, which is neutral and polar, at codon 1120 of the SBF1 protein (p.Ser1120Thr).

NM_002972.4(SBF1):c.3359G>C (p.Ser1120Thr)

Gene: SBF1 (SET binding factor 1; minus strand). Cytogenetic location: 22q13.33.
Variant type: single nucleotide variant.
Coding change: c.3359G>C on transcript NM_002972.4 (MANE Select); coding-DNA position 3359, G replaced by C.
Protein change: p.Ser1120Thr; replaces serine 1120 with threonine.
Molecular consequence: missense variant.
Genome position (GRCh38, 1-based): chr22:50,460,084, C>G on the plus strand (G>C on the coding strand, the complement: SBF1 is on the minus strand). VCF-style: chr22-50460084-C-G. GRCh37 (hg19) VCF-style: chr22-50898513-C-G.
Other names: c.3362G>C, p.Ser1121Thr (NM_001365819.1, NM_001410794.1); c.3359G>C, p.Ser1120Thr (NM_001410795.1, NM_197971.1); short protein forms S1121T, S1120T.
Identifiers: ClinVar variation 1910377 (VCV001910377.5), dbSNP rs2521912647, ClinGen allele CA412205098.